The following is an entry in ClinVar:

ClinVar aggregate classification (germline): Likely pathogenic (1 of 4 stars; one submission).

Conditions:
Bilateral frontoparietal polymicrogyria. Also called: CEREBELLAR ATAXIA WITH NEURONAL MIGRATION DEFECT; CORTICAL DYSPLASIA, COMPLEX, WITH OTHER BRAIN MALFORMATIONS 14A (BILATERAL FRONTOPARIETAL). Identifiers: Orphanet 101070, MedGen C1847352, MONDO:0011738, OMIM 606854.

Submission:

Natera, Inc.
Classification: Likely pathogenic for Bilateral frontoparietal polymicrogyria. Last evaluated: 2024-03-25. Review status: criteria provided, single submitter. Criteria: Natera Variant Classification Schema (03/2026). Collection method: clinical testing. Allele origin: germline.
Comment: The c.979G>T variant in ADGRG1 is a nonsense variant predicted to introduce a stop codon at amino acid 327. This variant is expected to result in nonsense mediated decay, truncation, or a dysfunctional protein product. This variant is rare in the general population with a frequency below the threshold expected for the associated phenotype(s). Given the available evidence, this variant is classified as Likely Pathogenic.

NM_201525.4(ADGRG1):c.979G>T (p.Glu327Ter)

Gene: ADGRG1 (adhesion G protein-coupled receptor G1; plus strand). Cytogenetic location: 16q21.
Variant type: single nucleotide variant.
Coding change: c.979G>T on transcript NM_201525.4 (MANE Select); coding-DNA position 979, G replaced by T.
Protein change: p.Glu327Ter; replaces glutamic acid 327 with a stop codon.
Molecular consequence: nonsense.
Genome position (GRCh38, 1-based): chr16:57,655,954, G>T. VCF-style: chr16-57655954-G-T. GRCh37 (hg19) VCF-style: chr16-57689866-G-T.
Other names: c.979G>T, p.Glu327Ter (NM_001145770.3, NM_001145771.3, NM_001145772.3 and 16 more transcripts); c.994G>T, p.Glu332Ter (NM_001145773.3, NM_001370433.1); c.469G>T, p.Glu157Ter (NM_001290142.2); c.454G>T, p.Glu152Ter (NM_001290143.2, NM_001290144.2, NM_001370451.1 and 2 more transcripts); c.823G>T, p.Glu275Ter (NM_001370442.1); short protein forms E152*, E157*, E275*, E327*, E332*.
Identifiers: ClinVar variation 4815455 (VCV004815455.1).